The following is an entry in ClinVar:

NM_198407.2(GHSR):c.146C>T (p.Thr49Ile)

Gene: GHSR (growth hormone secretagogue receptor; minus strand). Cytogenetic location: 3q26.31.
Variant type: single nucleotide variant.
Coding change: c.146C>T on transcript NM_198407.2 (MANE Select); coding-DNA position 146, C replaced by T.
Protein change: p.Thr49Ile; replaces threonine 49 with isoleucine.
Molecular consequence: missense variant.
Genome position (GRCh38, 1-based): chr3:172,448,268, G>A on the plus strand (C>T on the coding strand, the complement: GHSR is on the minus strand). VCF-style: chr3-172448268-G-A. GRCh37 (hg19) VCF-style: chr3-172166058-G-A.
Other names: c.146C>T, p.Thr49Ile (NM_004122.2); short protein forms T49I.
Identifiers: ClinVar variation 2191613 (VCV002191613.6), dbSNP rs144640317, ClinGen allele CA2706523.

ClinVar aggregate classification (germline): Uncertain significance. Review status: criteria provided, multiple submitters, no conflicts (2 of 4 stars). 3 submissions from 3 submitters: Uncertain significance (3). Last evaluated 2025-12-06.

Conditions:
Inborn genetic diseases. Identifiers: MedGen C0950123, MeSH D030342.

Allele frequency attached by ClinVar (database versions not stated): ExAC 0.00009; gnomAD 0.00015; TOPMed 0.00021; ESP Exome Variant Server 0.00031.
gnomAD v4.1: 60 of 1,613,190 alleles (0.0037%); highest among the groups gnomAD compares: African/African-American, 0.056%; no homozygotes.

Submissions (3):

Labcorp Genetics (formerly Invitae), Labcorp
Classification: Uncertain significance. Last evaluated: 2025-12-06. Review status: criteria provided, single submitter. Criteria: Invitae Variant Classification Sherloc (09022015). Collection method: clinical testing. Allele origin: germline.
Comment: This sequence change replaces threonine, which is neutral and polar, with isoleucine, which is neutral and non-polar, at codon 49 of the GHSR protein (p.Thr49Ile). This variant is present in population databases (rs144640317, gnomAD 0.05%), and has an allele count higher than expected for a pathogenic variant. This variant has not been reported in the literature in individuals affected with GHSR-related conditions. ClinVar contains an entry for this variant (Variation ID: 2191613). Invitae Evidence Modeling of protein sequence and biophysical properties (such as structural, functional, and spatial information, amino acid conservation, physicochemical variation, residue mobility, and thermodynamic stability) indicates that this missense variant is not expected to disrupt GHSR protein function with a negative predictive value of 80%. In summary, the available evidence is currently insufficient to determine the role of this variant in disease. Therefore, it has been classified as a Variant of Uncertain Significance.

Women's Health and Genetics/Laboratory Corporation of America, LabCorp
Classification: Uncertain significance. Last evaluated: 2024-09-23. Review status: criteria provided, single submitter. Criteria: LabCorp Variant Classification Summary - May 2015. Collection method: clinical testing. Allele origin: germline.
Comment: Variant summary: GHSR c.146C>T (p.Thr49Ile) results in a non-conservative amino acid change in the encoded protein sequence. Three of five in-silico tools predict a benign effect of the variant on protein function. The variant allele was found at a frequency of 6.5e-05 in 246048 control chromosomes. This frequency is not significantly higher than estimated for a pathogenic variant in GHSR causing Short Stature Due To Growth Hormone Secretagogue Receptor Deficiency, allowing no conclusion about variant significance. To our knowledge, no occurrence of c.146C>T in individuals affected with Short Stature Due To Growth Hormone Secretagogue Receptor Deficiency and no experimental evidence demonstrating its impact on protein function have been reported. ClinVar contains an entry for this variant (Variation ID: 2191613). Based on the evidence outlined above, the variant was classified as uncertain significance.

Ambry Genetics
Classification: Uncertain significance for Inborn genetic diseases. Last evaluated: 2024-03-26. Review status: criteria provided, single submitter. Criteria: Ambry Variant Classification Scheme 2023. Collection method: clinical testing. Allele origin: germline.